The following is an entry in ClinVar:

NM_001310135.5(TTC6):c.2768G>T (p.Arg923Leu)

Gene: TTC6 (tetratricopeptide repeat domain 6; plus strand). Cytogenetic location: 14q21.1.
Variant type: single nucleotide variant.
Coding change: c.2768G>T on transcript NM_001310135.5 (MANE Select); coding-DNA position 2768, G replaced by T.
Protein change: p.Arg923Leu; replaces arginine 923 with leucine.
Molecular consequence: missense variant.
Genome position (GRCh38, 1-based): chr14:37,749,343, G>T. VCF-style: chr14-37749343-G-T. GRCh37 (hg19) VCF-style: chr14-38218548-G-T.
Other names: short protein forms R923L.
Identifiers: ClinVar variation 3234156 (VCV003234156.20), dbSNP rs184767824, ClinGen allele CA7160455.

ClinVar aggregate classification (germline): Likely benign (1 of 4 stars; one submission).

Allele frequency attached by ClinVar (database versions not stated): 1000 Genomes Project 30x 0.00016.
gnomAD v4.1: 1,775 of 1,491,800 alleles (0.12%); highest among the groups gnomAD compares: Admixed American, 0.16%; 4 homozygotes.

Submission:

CeGaT Center for Human Genetics Tuebingen
Classification: Likely benign. Last evaluated: 2024-04-01. Review status: criteria provided, single submitter. Criteria: CeGaT Center For Human Genetics Tuebingen Variant Classification Criteria Version 2. Collection method: clinical testing. Allele origin: germline. Affected: yes. Observed: 1 variant allele.
Comment: TTC6: BP4, BS2